The following is an entry in ClinVar:

NM_004614.5(TK2):c.562A>G (p.Thr188Ala)

Gene: TK2 (thymidine kinase 2; minus strand). Cytogenetic location: 16q21.
Variant type: single nucleotide variant.
Coding change: c.562A>G on transcript NM_004614.5 (MANE Select); coding-DNA position 562, A replaced by G.
Protein change: p.Thr188Ala; replaces threonine 188 with alanine.
Molecular consequence: missense variant. On other transcripts: non-coding transcript variant (1), intron variant (1).
Genome position (GRCh38, 1-based): chr16:66,517,192, T>C on the plus strand (A>G on the coding strand, the complement: TK2 is on the minus strand). VCF-style: chr16-66517192-T-C. GRCh37 (hg19) VCF-style: chr16-66551095-T-C.
Other names: T230A; c.469A>G, p.Thr157Ala (NM_001172643.1); c.487A>G, p.Thr163Ala (NM_001172644.2); c.508A>G, p.Thr170Ala (NM_001172645.2); c.415A>G, p.Thr139Ala (NM_001271934.2); c.271A>G, p.Thr91Ala (NM_001272050.2); c.357-3381A>G (NM_001271935.1); short protein forms T188A, T139A, T170A, T91A, T157A, T163A.
Identifiers: ClinVar variation 38993 (VCV000038993.14), dbSNP rs281865495, ClinGen allele CA343313.

ClinVar aggregate classification (germline): Likely pathogenic. Review status: criteria provided, multiple submitters, no conflicts (2 of 4 stars). 3 submissions from 3 submitters: Likely pathogenic (2). 1 of the submissions does not count toward it. Last evaluated 2025-11-24.

Conditions:
Progressive external ophthalmoplegia with mitochondrial DNA deletions, autosomal recessive 3 (PEOB3). Also called: PROGRESSIVE EXTERNAL OPHTHALMOPLEGIA, AUTOSOMAL RECESSIVE 3. Identifiers: Orphanet 254886, MedGen C4310734, MONDO:0014898, OMIM 617069.
Mitochondrial disease. Also called: Mitochondrial disorder; Mitochondrial disorders. Identifiers: Orphanet 68380, MedGen C0751651, MeSH D028361, MONDO:0044970.

Allele frequency attached by ClinVar (database versions not stated): ExAC 0.00001; gnomAD 0.00001; gnomAD exomes 0.00001; TOPMed 0.00001.
gnomAD v4.1: 12 of 1,614,038 alleles (0.00074%); highest among the groups gnomAD compares: Non-Finnish European, 0.000085%; no homozygotes.

Submissions (3):

Genomenon, Inc
Classification: Likely pathogenic for Mitochondrial disease. Last evaluated: 2025-11-24. Review status: criteria provided, single submitter. Criteria: Genomenon Sequence Variant Interpretation Standards - Updated. Collection method: curation. Allele origin: germline. Affected: yes.
Comment: TK2 p.Thr188Ala (c.562A>G) is a missense variant that changes the amino acid at residue 188 from Threonine to Alanine. It is also described as T230A in the literature. This variant has been observed in a proband affected with mitochondrial disease in the compound heterozygous state, with a pathogenic or likely pathogenic variant confirmed in trans, and was found to segregate with disease in this family (21937588). Functional studies have been reported (21937588). This variant is not present at a significant frequency in gnomAD. In conclusion, we classify TK2 p.Thr188Ala (c.562A>G) as a likely pathogenic variant.

Labcorp Genetics (formerly Invitae), Labcorp
Classification: Likely pathogenic. Last evaluated: 2022-05-07. Review status: criteria provided, single submitter. Criteria: Invitae Variant Classification Sherloc (09022015). Collection method: clinical testing. Allele origin: germline.
Comment: This missense change has been observed in individual(s) with mitochondrial DNA depletion syndrome (PMID: 21937588). In at least one individual the data is consistent with being in trans (on the opposite chromosome) from a pathogenic variant. It has also been observed to segregate with disease in related individuals. Algorithms developed to predict the effect of missense changes on protein structure and function (SIFT, PolyPhen-2, Align-GVGD) all suggest that this variant is likely to be tolerated. Experimental studies have shown that this missense change affects TK2 function (PMID: 21937588). In summary, the currently available evidence indicates that the variant is pathogenic, but additional data are needed to prove that conclusively. Therefore, this variant has been classified as Likely Pathogenic. This variant is also known as c.688A>G (p.T230A). ClinVar contains an entry for this variant (Variation ID: 38993). This sequence change replaces threonine, which is neutral and polar, with alanine, which is neutral and non-polar, at codon 188 of the TK2 protein (p.Thr188Ala). This variant is present in population databases (rs281865495, gnomAD 0.0009%).

OMIM
Classification: Pathogenic for PROGRESSIVE EXTERNAL OPHTHALMOPLEGIA WITH MITOCHONDRIAL DNA DELETIONS, AUTOSOMAL RECESSIVE 3 (1 family). Last evaluated: 2012-01-01. Review status: no assertion criteria provided. Collection method: literature only. Allele origin: germline. Not counted in ClinVar's aggregate classification.

Literature cited by the submitters: PubMed 21937588 (cited by 3 submitters).